The following is an entry in ClinVar:

NM_003072.5(SMARCA4):c.4893_4896del (p.Ser1631fs)

Gene: SMARCA4 (SWI/SNF related BAF chromatin remodeling complex subunit ATPase 4; plus strand). Cytogenetic location: 19p13.2.
Variant type: Deletion.
Coding change: c.4893_4896del on transcript NM_003072.5 (MANE Select); coding-DNA positions 4893 to 4896, 4 bases deleted (TGAG; older notation c.4893_4896delTGAG).
Protein change: p.Ser1631fs; shifts the reading frame from serine 1631.
Molecular consequence: frameshift variant. On other transcripts: non-coding transcript variant (1).
Genome position (GRCh38, 1-based): chr19:11,060,169-11,060,172, TGAG deleted; deleting any 4 consecutive bases within chr19:11,060,167-11,060,172 gives the same sequence; the c. name uses the placement nearest the transcript's 3' end. VCF-style (leftmost placement, unchanged base first): chr19-11060166-CAGTG-C. GRCh37 (hg19) VCF-style: chr19-11170842-CAGTG-C.
Other names: c.4989_4992del (NM_001128849.1); c.4893_4896del, p.Ser1631fs (NM_001128844.3); c.4803_4806del, p.Ser1601fs (NM_001128845.2); c.4800_4803del, p.Ser1600fs (NM_001128846.2); c.4794_4797del, p.Ser1598fs (NM_001128847.4, NM_001374457.1); c.4791_4794del, p.Ser1597fs (NM_001128848.2); c.4989_4992del, p.Ser1663fs (NM_001128849.3, NM_001387283.1); c.4890_4893delTGAG, p.Ser1630Argfs (NM_001411150.1); and 1 more; short protein forms S1598fs, S1631fs, S1663fs, S1597fs, S1600fs, S1601fs.
Identifiers: ClinVar variation 2252589 (VCV002252589.4), dbSNP rs2515822828, ClinGen allele CA2576625747.
Genomic context (GRCh38, chr19:11,060,166, plus strand): 5'-GGGCGGCCGGCGGCGGCCGAGCCGAGGGTCCCGAGCCAAGCCGGTCGTGAGTGACGATGA[CAGTG>C]AGGAGGAACAAGAGGAGGTGAGGCCGGGCCCCCGAGCAGGCAGAGCTGGCATGTGGCAGG-3'

ClinVar aggregate classification (germline): Uncertain significance. Review status: criteria provided, multiple submitters, no conflicts (2 of 4 stars). 3 submissions from 3 submitters: Uncertain significance (3). Last evaluated 2023-10-25.

Conditions:
Hereditary cancer-predisposing syndrome. Also called: Neoplastic Syndromes, Hereditary; Tumor predisposition; Hereditary Cancer Syndrome; Hereditary neoplastic syndrome. Identifiers: Orphanet 140162, MedGen C0027672, MeSH D009386, MONDO:0015356.
SMARCA4-related disorder. Also called: SMARCA4-related condition.

Submissions (3):

GeneDx
Classification: Uncertain significance. Last evaluated: 2023-10-25. Review status: criteria provided, single submitter. Criteria: GeneDx Variant Classification Process June 2021. Collection method: clinical testing. Allele origin: germline. Affected: yes.
Comment: Not observed at significant frequency in large population cohorts (gnomAD); Frameshift variant predicted to result in abnormal protein length as the last 17 amino acids are replaced with 37 different amino acids; Has not been previously published as pathogenic or benign to our knowledge

Ambry Genetics
Classification: Uncertain significance for Hereditary cancer-predisposing syndrome. Last evaluated: 2023-04-14. Review status: criteria provided, single submitter. Criteria: Ambry Variant Classification Scheme 2023. Collection method: clinical testing. Allele origin: germline.
Comment: The c.4989_4992delTGAG variant, located in coding exon 34 of the SMARCA4 gene, results from a deletion of 4 nucleotides at nucleotide positions 4989 to 4992, causing a translational frameshift with a predicted alternate stop codon (p.S1663Rfs*38). This alteration occurs at the 3' terminus of theSMARCA4 gene, is not expected to trigger nonsense-mediated mRNAdecay and results in the elongation of the protein by 20 amino acids. This frameshift impacts the last 17amino acids of the native protein. The exact functional effect of the altered amino acids is unknown. Since supporting evidence is limited at this time, the clinical significance of this alteration remains unclear.

PreventionGenetics, part of Exact Sciences
Classification: Uncertain significance for SMARCA4-related condition. Last evaluated: 2022-10-24. Review status: criteria provided, single submitter. Criteria: ACMG Guidelines, 2015. Collection method: clinical testing. Allele origin: germline.
Comment: The SMARCA4 c.4989_4992delTGAG variant is predicted to result in a frameshift and premature protein termination (p.Ser1663Argfs*38). To our knowledge, this variant has not been reported in the literature or in a large population database, indicating it is rare. SMARCA4 premature termination variants have been associated with disease; however, this variant occurs in the penultimate exon and may escape nonsense-mediated decay. To our knowledge, no such variants have been associated with disease downstream of this position. Although we suspect that this variant may be pathogenic, at this time, the clinical significance of this variant is uncertain due to the absence of conclusive functional and genetic evidence.